The following is an entry in ClinVar:

ClinVar aggregate classification (germline): Uncertain significance. Review status: criteria provided, multiple submitters, no conflicts (2 of 4 stars). 3 submissions from 3 submitters: Uncertain significance (3). Last evaluated 2024-11-22.

Conditions:
Neuroblastoma, susceptibility to, 3. Also called: ALK-Related Neuroblastic Tumor Susceptibility. Identifiers: Orphanet 635, MedGen C2751681, MONDO:0013083, OMIM 613014.
Hereditary cancer-predisposing syndrome. Also called: Neoplastic Syndromes, Hereditary; Tumor predisposition; Hereditary neoplastic syndrome; Hereditary Cancer Syndrome. Identifiers: Orphanet 140162, MedGen C0027672, MeSH D009386, MONDO:0015356.

Submissions (3):

GeneDx
Classification: Uncertain significance. Last evaluated: 2024-11-22. Review status: criteria provided, single submitter. Criteria: GeneDx Variant Classification Process June 2021. Collection method: clinical testing. Allele origin: germline. Affected: yes.
Comment: Not observed at significant frequency in large population cohorts (gnomAD); In silico analysis supports that this missense variant has a deleterious effect on protein structure/function; Has not been previously published as pathogenic or benign to our knowledge

Labcorp Genetics (formerly Invitae), Labcorp
Classification: Uncertain significance for Neuroblastoma, susceptibility to, 3. Last evaluated: 2024-04-09. Review status: criteria provided, single submitter. Criteria: Invitae Variant Classification Sherloc (09022015). Collection method: clinical testing. Allele origin: germline.
Comment: This sequence change replaces cysteine, which is neutral and slightly polar, with tyrosine, which is neutral and polar, at codon 266 of the ALK protein (p.Cys266Tyr). This variant is not present in population databases (gnomAD no frequency). This variant has not been reported in the literature in individuals affected with ALK-related conditions. ClinVar contains an entry for this variant (Variation ID: 1761461). An algorithm developed to predict the effect of missense changes on protein structure and function (PolyPhen-2) suggests that this variant is likely to be disruptive. In summary, the available evidence is currently insufficient to determine the role of this variant in disease. Therefore, it has been classified as a Variant of Uncertain Significance.

Ambry Genetics
Classification: Uncertain significance for Hereditary cancer-predisposing syndrome. Last evaluated: 2022-04-11. Review status: criteria provided, single submitter. Criteria: Ambry Variant Classification Scheme 2023. Collection method: clinical testing. Allele origin: germline.
Comment: The p.C266Y variant (also known as c.797G>A), located in coding exon 3 of the ALK gene, results from a G to A substitution at nucleotide position 797. The cysteine at codon 266 is replaced by tyrosine, an amino acid with highly dissimilar properties. This amino acid position is conserved. In addition, the in silico prediction for this alteration is inconclusive. Since supporting evidence is limited at this time, the clinical significance of this alteration remains unclear.

NM_004304.5(ALK):c.797G>A (p.Cys266Tyr)

Gene: ALK (ALK receptor tyrosine kinase; minus strand). Cytogenetic location: 2p23.2.
Variant type: single nucleotide variant.
Coding change: c.797G>A on transcript NM_004304.5 (MANE Select); coding-DNA position 797, G replaced by A.
Protein change: p.Cys266Tyr; replaces cysteine 266 with tyrosine.
Molecular consequence: missense variant.
Genome position (GRCh38, 1-based): chr2:29,695,005, C>T on the plus strand (G>A on the coding strand, the complement: ALK is on the minus strand). VCF-style: chr2-29695005-C-T. GRCh37 (hg19) VCF-style: chr2-29917871-C-T.
Other names: short protein forms C266Y.
Identifiers: ClinVar variation 1761461 (VCV001761461.5), dbSNP rs2148290047, ClinGen allele CA346587133.